The following is an entry in ClinVar:

ClinVar aggregate classification (germline): Uncertain significance (1 of 4 stars; one submission).

Submission:

Labcorp Genetics (formerly Invitae), Labcorp
Classification: Uncertain significance. Last evaluated: 2022-07-06. Review status: criteria provided, single submitter. Criteria: Invitae Variant Classification Sherloc (09022015). Collection method: clinical testing. Allele origin: germline.
Comment: This sequence change replaces threonine, which is neutral and polar, with serine, which is neutral and polar, at codon 233 of the ELP1 protein (p.Thr233Ser). This variant is present in population databases (no rsID available, gnomAD 0.0009%). This variant has not been reported in the literature in individuals affected with ELP1-related conditions. Algorithms developed to predict the effect of missense changes on protein structure and function are either unavailable or do not agree on the potential impact of this missense change (SIFT: "Tolerated"; PolyPhen-2: "Probably Damaging"; Align-GVGD: "Class C0"). In summary, the available evidence is currently insufficient to determine the role of this variant in disease. Therefore, it has been classified as a Variant of Uncertain Significance.

NM_003640.5(ELP1):c.697A>T (p.Thr233Ser)

Gene: ELP1 (elongator acetyltransferase complex subunit 1; minus strand). Cytogenetic location: 9q31.3.
Variant type: single nucleotide variant.
Coding change: c.697A>T on transcript NM_003640.5 (MANE Select); coding-DNA position 697, A replaced by T.
Protein change: p.Thr233Ser; replaces threonine 233 with serine.
Molecular consequence: missense variant. On other transcripts: intron variant (1).
Genome position (GRCh38, 1-based): chr9:108,918,854, T>A on the plus strand (A>T on the coding strand, the complement: ELP1 is on the minus strand). VCF-style: chr9-108918854-T-A. GRCh37 (hg19) VCF-style: chr9-111681134-T-A.
Other names: c.355A>T, p.Thr119Ser (NM_001318360.2); c.-307-1184A>T (NM_001330749.2); short protein forms T119S, T233S.
Identifiers: ClinVar variation 2420814 (VCV002420814.3), dbSNP rs1356812138, ClinGen allele CA374386852.